The following is an entry in ClinVar:

NM_000138.5(FBN1):c.1453C>T (p.Arg485Cys)

Gene: FBN1 (fibrillin 1; minus strand). Cytogenetic location: 15q21.1.
Variant type: single nucleotide variant.
Coding change: c.1453C>T on transcript NM_000138.5 (MANE Select); coding-DNA position 1453, C replaced by T.
Protein change: p.Arg485Cys; replaces arginine 485 with cysteine.
Molecular consequence: missense variant.
Genome position (GRCh38, 1-based): chr15:48,515,402, G>A on the plus strand (C>T on the coding strand, the complement: FBN1 is on the minus strand). VCF-style: chr15-48515402-G-A. GRCh37 (hg19) VCF-style: chr15-48807599-G-A.
Other names: NM_000138.5(FBN1):c.1453C>T; short protein forms R485C.
Identifiers: ClinVar variation 16466 (VCV000016466.20), dbSNP rs137854485, ClinGen allele CA012160.

ClinVar aggregate classification (germline): Pathogenic. Review status: reviewed by expert panel (3 of 4 stars). 9 submissions from 9 submitters: Pathogenic (1). 8 of the submissions do not count toward it. Last evaluated 2023-11-16.

Conditions:
Familial thoracic aortic aneurysm and aortic dissection (TAAD). Also called: Thoracic aortic aneurysms and dissections. Identifiers: Orphanet 91387, MedGen C4707243, MONDO:0019625.
Marfan syndrome (MFS). Also called: Marfan syndrome, classic; MARFAN SYNDROME, TYPE I; FBN1-Related Marfan Syndrome; Marfan syndrome type 1; Marfan's syndrome. Identifiers: Orphanet 284963, Orphanet 558, MedGen C0024796, MONDO:0007947, OMIM 154700.
MARFAN SYNDROME, AUTOSOMAL RECESSIVE. Identifiers: MedGen C4016059.

Allele frequency attached by ClinVar (database versions not stated): TOPMed below 0.00001.

Submissions (9):

ClinGen FBN1 Variant Curation Expert Panel, ClinGen
Classification: Pathogenic for Marfan syndrome. Last evaluated: 2023-11-16. Review status: reviewed by expert panel. Criteria: Assertion Criteria VCEP FBN1 Version 1. Collection method: curation. Allele origin: germline. Inheritance: Autosomal dominant inheritance.
Comment: NM_00138 c.1453C>T is a missense variant in FBN1 predicted to cause a substitution of an arginine by cysteine at amino acid 485 (p.Arg484Cys). This variant has been identified in the literature in at least seven probands with features consistent with or suggestive of Marfan syndrome including thoracic aortic aneurysm and dissection (TAAD) with or without additional features (PS4; PMIDs: 16342915, 19293843, 24793577, 30485715). It was found in the homozygous state in two cousins with bilateral ectopia lentis (EL) and additional features of Marfan syndrome; of note, in both instances the variant was inherited from mildly affected or apparently unaffected heterozygous parents (PMID: 17568394). It was identified in trans with a different FBN1 pathogenic variant in three siblings with isolated EL (Bichat internal data); clinical information for the heterozygous parents was not available. The variant has also been identified in the heterozygous state in 5 additional internal probands diagnosed with TAAD with or without systemic features (UZG, Johns Hopkins University, Bichat, & University of Tokyo internal data). It has been found to segregate in the heterozygous state with features of Marfan syndrome in at least 19 individuals among five different families (PP1_strong; PMID: 30485715; Johns Hopkins & Bichat internal data). It is not present in gnomAD (PM2_supporting). This variant introduces a novel cysteine residue which may impede the normal formation of critical disulfide bridges (PM1). Computational prediction tools and conservation analysis are unclear about the variant’s predicted impact on the protein’s structure or function. The constraint z-score for missense variants affecting FBN1 is 5.06 (PP2). In summary, this variant meets criteria to be classified as pathogenic for Marfan syndrome based on the ACMG/AMP criteria applied, as specified by the ClinGen FBN1 VCEP: PS4, PP1_strong, PM1, PS2_supporting, PM2_supporting, PP2.

Labcorp Genetics (formerly Invitae), Labcorp
Classification: Pathogenic for Marfan syndrome; Familial thoracic aortic aneurysm and aortic dissection. Last evaluated: 2026-01-18. Review status: criteria provided, single submitter. Criteria: Invitae Variant Classification Sherloc (09022015). Collection method: clinical testing. Allele origin: germline. Not counted in ClinVar's aggregate classification.
Comment: This sequence change replaces arginine, which is basic and polar, with cysteine, which is neutral and slightly polar, at codon 485 of the FBN1 protein (p.Arg485Cys). This variant is not present in population databases (gnomAD no frequency). This missense change has been observed in individuals with clinical features of Marfan syndrome (PMID: 16342915, 17568394, 19839986, 24793577, 30485715, 30739908). It has also been observed to segregate with disease in related individuals. ClinVar contains an entry for this variant (Variation ID: 16466). Invitae Evidence Modeling of protein sequence and biophysical properties (such as structural, functional, and spatial information, amino acid conservation, physicochemical variation, residue mobility, and thermodynamic stability) indicates that this missense variant is expected to disrupt FBN1 protein function with a positive predictive value of 95%. For these reasons, this variant has been classified as Pathogenic.

Ambry Genetics
Classification: Pathogenic for Familial thoracic aortic aneurysm and aortic dissection. Last evaluated: 2025-08-20. Review status: criteria provided, single submitter. Criteria: Ambry Variant Classification Scheme 2023. Collection method: clinical testing. Allele origin: germline. Not counted in ClinVar's aggregate classification.
Comment: The p.R485C pathogenic mutation (also known as c.1453C>T), located in coding exon 11 of the FBN1 gene, results from a C to T substitution at nucleotide position 1453. The arginine at codon 485 is replaced by cysteine, an amino acid with highly dissimilar properties, and is located in the EGF-like #4 domain. This mutation has been reported in multiple individuals with Marfan syndrome (MFS) and Marfan-like findings, including one reported de novo MFS case (Baumgartner C et al. Methods Inf Med, 2005;44:487-97; Stheneur C et al. Eur. J. Hum. Genet., 2009 Sep;17:1121-8; Hung CC et al. Ann. Hum. Genet., 2009 Nov;73:559-67; Lerner-Ellis JP et al. Mol. Genet. Metab., 2014 Jun;112:171-6). Cosegregation in affected family members has been reported in two families with thoracic aortic aneurysms, abdominal aortic aneurysms, and other clinical findings consistent with MFS (Overwater E et al. Mol Genet Genomic Med, 2018 Nov;[Epub ahead of print]). In a consanguineous family, this mutation was detected as homozygous in two cousins with MFS, while their heterozygous parents were described as not having symptoms of MFS (de Vries BB et al. Eur. J. Hum. Genet., 2007 Sep;15:930-5). The majority of FBN1 mutations identified to date have involved the substitution or generation of cysteine residues within cbEGF domains (Vollbrandt T et al. J Biol Chem. 2004;279(31):32924-32931). This variant is considered to be rare based on population cohorts in the Genome Aggregation Database (gnomAD). Based on the supporting evidence, this variant is interpreted as a disease-causing mutation.

Laboratory of Genetics, Children's Clinical University Hospital Latvia
Classification: Pathogenic. Last evaluated: 2025-02-16. Review status: criteria provided, single submitter. Criteria: ACMG Guidelines, 2015. Collection method: clinical testing. Allele origin: germline. Affected: yes. Not counted in ClinVar's aggregate classification.

Centre of Medical Genetics, University of Antwerp
Classification: Likely pathogenic for Familial thoracic aortic aneurysm and aortic dissection. Last evaluated: 2024-09-06. Review status: criteria provided, single submitter. Criteria: ACMG Guidelines, 2015. Collection method: clinical testing. Allele origin: germline. Affected: yes. Not counted in ClinVar's aggregate classification.
Comment: LP(PM1-2; PP3, 5)

CHEO Genetics Diagnostic Laboratory, Children's Hospital of Eastern Ontario
Classification: Pathogenic for Familial thoracic aortic aneurysm and aortic dissection. Last evaluated: 2022-12-28. Review status: criteria provided, single submitter. Criteria: ACMG Guidelines, 2015. Collection method: clinical testing. Allele origin: germline. Not counted in ClinVar's aggregate classification.

Laboratory for Molecular Medicine, Mass General Brigham Personalized Medicine
Classification: Uncertain significance. Last evaluated: 2018-02-15. Review status: criteria provided, single submitter. Criteria: LMM Criteria. Collection method: clinical testing. Allele origin: germline. Observed: 1 variant allele. Not counted in ClinVar's aggregate classification.
Comment: proposed classification - variant undergoing re-assessment, contact laboratory

Center for Medical Genetics Ghent, University of Ghent
Classification: Likely pathogenic for Marfan syndrome. Last evaluated: 2017-11-07. Review status: no assertion criteria provided. Collection method: clinical testing. Allele origin: de novo. Affected: yes. Not counted in ClinVar's aggregate classification.

OMIM
Classification: Pathogenic for MARFAN SYNDROME, AUTOSOMAL RECESSIVE. Last evaluated: 2007-09-01. Review status: no assertion criteria provided. Collection method: literature only. Allele origin: germline. Not counted in ClinVar's aggregate classification.

Literature cited by the submitters: PubMed 16342915 (cited by Labcorp Genetics (formerly Invitae), Labcorp and Ambry Genetics); PubMed 17568394 (cited by 4 submitters); PubMed 19839986 (cited by Labcorp Genetics (formerly Invitae), Labcorp and Ambry Genetics); PubMed 24793577 (cited by Labcorp Genetics (formerly Invitae), Labcorp and Ambry Genetics); PubMed 30485715 (cited by Labcorp Genetics (formerly Invitae), Labcorp and Ambry Genetics); PubMed 30739908 (cited by Labcorp Genetics (formerly Invitae), Labcorp); PubMed 19293843 (cited by Ambry Genetics).